The following is an entry in ClinVar:

ClinVar aggregate classification (germline): Uncertain significance (1 of 4 stars; one submission).

Conditions:
Metachromatic leukodystrophy (MLD). Also called: Cerebral sclerosis diffuse metachromatic form; ARSA DEFICIENCY; CEREBROSIDE SULFATASE DEFICIENCY; Arylsulfatase A Deficiency; METACHROMATIC LEUKOENCEPHALOPATHY; SULFATIDE LIPIDOSIS. Identifiers: Orphanet 512, MedGen C0023522, MONDO:0018868, OMIM 250100.

Allele frequency attached by ClinVar (database versions not stated): gnomAD 0.00001; gnomAD exomes 0.00001.
gnomAD v4.1: 21 of 1,604,682 alleles (0.0013%); highest among the groups gnomAD compares: East Asian, 0.009%; no homozygotes.

Submission:

Labcorp Genetics (formerly Invitae), Labcorp
Classification: Uncertain significance for Metachromatic leukodystrophy. Last evaluated: 2024-06-04. Review status: criteria provided, single submitter. Criteria: Invitae Variant Classification Sherloc (09022015). Collection method: clinical testing. Allele origin: germline.
Comment: This sequence change replaces isoleucine, which is neutral and non-polar, with valine, which is neutral and non-polar, at codon 324 of the ARSA protein (p.Ile324Val). This variant is present in population databases (rs557527090, gnomAD 0.007%). This variant has not been reported in the literature in individuals affected with ARSA-related conditions. ClinVar contains an entry for this variant (Variation ID: 1421509). Advanced modeling of protein sequence and biophysical properties (such as structural, functional, and spatial information, amino acid conservation, physicochemical variation, residue mobility, and thermodynamic stability) performed at Invitae indicates that this missense variant is expected to disrupt ARSA protein function with a positive predictive value of 95%. In summary, the available evidence is currently insufficient to determine the role of this variant in disease. Therefore, it has been classified as a Variant of Uncertain Significance.

NM_000487.6(ARSA):c.970A>G (p.Ile324Val)

Gene: ARSA (arylsulfatase A; minus strand). Cytogenetic location: 22q13.33.
Variant type: single nucleotide variant.
Coding change: c.970A>G on transcript NM_000487.6 (MANE Select); coding-DNA position 970, A replaced by G.
Protein change: p.Ile324Val; replaces isoleucine 324 with valine.
Molecular consequence: missense variant.
Genome position (GRCh38, 1-based): chr22:50,626,163, T>C on the plus strand (A>G on the coding strand, the complement: ARSA is on the minus strand). VCF-style: chr22-50626163-T-C. GRCh37 (hg19) VCF-style: chr22-51064591-T-C.
Other names: c.970A>G, p.Ile324Val (NM_001085425.3, NM_001085426.3, NM_001085427.3); c.712A>G, p.Ile238Val (NM_001085428.3, NM_001362782.2); short protein forms I324V, I238V.
Identifiers: ClinVar variation 1421509 (VCV001421509.9), dbSNP rs557527090, ClinGen allele CA325531328.
Genomic context (GRCh38, chr22:50,626,163, plus strand): 5'-AAGGTTGGGGTGGTGGGGCCAGGGTTCCAAGGAGAGGGCCTGCGGACTGACCGGGAGCGA[T>C]ATGACCTGGCCAGAAGGCCAAGGCAGGCTCTCGGACACCGCCCTCGTAGGTCGTTCCCTT-3'
Protein context (NP_000478.3, residues 314-334): EPALAFWPGH[Ile324Val]APGVTHELAS